The following is an entry in ClinVar:

NM_002055.5(GFAP):c.1171G>A (p.Glu391Lys)

Gene: GFAP (glial fibrillary acidic protein; minus strand). Cytogenetic location: 17q21.31.
Variant type: single nucleotide variant.
Coding change: c.1171G>A on transcript NM_002055.5 (MANE Select); coding-DNA position 1171, G replaced by A.
Protein change: p.Glu391Lys; replaces glutamic acid 391 with lysine.
Molecular consequence: missense variant.
Genome position (GRCh38, 1-based): chr17:44,910,615, C>T on the plus strand (G>A on the coding strand, the complement: GFAP is on the minus strand). VCF-style: chr17-44910615-C-T. GRCh37 (hg19) VCF-style: chr17-42987983-C-T.
Other names: c.1171G>A, p.Gly391Arg (NM_001131019.3, NM_001363846.2); c.1171G>A, p.Gly391Ser (NM_001242376.3); short protein forms E391K, G391S, G391R.
Identifiers: ClinVar variation 2227898 (VCV002227898.5), dbSNP rs369742944, ClinGen allele CA8608734.

ClinVar aggregate classification (germline): Uncertain significance. Review status: criteria provided, multiple submitters, no conflicts (2 of 4 stars). 2 submissions from 2 submitters: Uncertain significance (2). Last evaluated 2023-02-04.

Conditions:
Inborn genetic diseases. Identifiers: MedGen C0950123, MeSH D030342.

Allele frequency attached by ClinVar (database versions not stated): ExAC 0.00003; gnomAD 0.00003; TOPMed 0.00004; ESP Exome Variant Server 0.00008.
gnomAD v4.1: 84 of 1,577,524 alleles (0.0053%); highest among the groups gnomAD compares: Non-Finnish European, 0.0067%; no homozygotes.

Submissions (2):

Labcorp Genetics (formerly Invitae), Labcorp
Classification: Uncertain significance. Last evaluated: 2023-02-04. Review status: criteria provided, single submitter. Criteria: Invitae Variant Classification Sherloc (09022015). Collection method: clinical testing. Allele origin: germline.
Comment: This sequence change replaces glutamic acid, which is acidic and polar, with lysine, which is basic and polar, at codon 391 of the GFAP protein (p.Glu391Lys). This variant also falls at the last nucleotide of exon 7, which is part of the consensus splice site for this exon. This variant is present in population databases (rs369742944, gnomAD 0.004%). This variant has not been reported in the literature in individuals affected with GFAP-related conditions. Algorithms developed to predict the effect of missense changes on protein structure and function are either unavailable or do not agree on the potential impact of this missense change (SIFT: "Deleterious"; PolyPhen-2: "Possibly Damaging"; Align-GVGD: "Class C0"). Variants that disrupt the consensus splice site are a relatively common cause of aberrant splicing (PMID: 17576681, 9536098). Algorithms developed to predict the effect of sequence changes on RNA splicing suggest that this variant may disrupt the consensus splice site. In summary, the available evidence is currently insufficient to determine the role of this variant in disease. Therefore, it has been classified as a Variant of Uncertain Significance.

Ambry Genetics
Classification: Uncertain significance for Inborn genetic diseases. Last evaluated: 2022-04-04. Review status: criteria provided, single submitter. Criteria: Ambry Variant Classification Scheme 2023. Collection method: clinical testing. Allele origin: germline.

Literature cited by the submitters: PubMed 17576681 (cited by Labcorp Genetics (formerly Invitae), Labcorp); PubMed 9536098 (cited by Labcorp Genetics (formerly Invitae), Labcorp).